The following is an entry in ClinVar:

NM_032043.3(BRIP1):c.2371G>A (p.Asp791Asn)

Gene: BRIP1 (BRCA1 interacting DNA helicase 1; minus strand). Cytogenetic location: 17q23.2.
Variant type: single nucleotide variant.
Coding change: c.2371G>A on transcript NM_032043.3 (MANE Select); coding-DNA position 2371, G replaced by A.
Protein change: p.Asp791Asn; replaces aspartic acid 791 with asparagine.
Molecular consequence: missense variant.
Genome position (GRCh38, 1-based): chr17:61,743,021, C>T on the plus strand (G>A on the coding strand, the complement: BRIP1 is on the minus strand). VCF-style: chr17-61743021-C-T. GRCh37 (hg19) VCF-style: chr17-59820382-C-T.
Other names: short protein forms D791N.
Identifiers: ClinVar variation 3759038 (VCV003759038.2).

ClinVar aggregate classification (germline): Uncertain significance (1 of 4 stars; one submission).

Conditions:
Fanconi anemia complementation group J. Also called: BRIP1-Related Fanconi Anemia. Identifiers: Orphanet 84, MedGen C1836860, MONDO:0012187, OMIM 609054.
Familial cancer of breast. Also called: BREAST CANCER, FAMILIAL; Hereditary breast cancer; hereditary breast carcinoma. Identifiers: Orphanet 227535, MedGen C0346153, MONDO:0016419, OMIM 114480. Disease mechanism: loss of function.

Submission:

Labcorp Genetics (formerly Invitae), Labcorp
Classification: Uncertain significance for Familial cancer of breast; Fanconi anemia complementation group J. Last evaluated: 2024-12-17. Review status: criteria provided, single submitter. Criteria: Invitae Variant Classification Sherloc (09022015). Collection method: clinical testing. Allele origin: germline.
Comment: This sequence change replaces aspartic acid, which is acidic and polar, with asparagine, which is neutral and polar, at codon 791 of the BRIP1 protein (p.Asp791Asn). This variant is not present in population databases (gnomAD no frequency). This variant has not been reported in the literature in individuals affected with BRIP1-related conditions. Invitae Evidence Modeling of protein sequence and biophysical properties (such as structural, functional, and spatial information, amino acid conservation, physicochemical variation, residue mobility, and thermodynamic stability) has been performed for this missense variant. However, the output from this modeling did not meet the statistical confidence thresholds required to predict the impact of this variant on BRIP1 protein function. In summary, the available evidence is currently insufficient to determine the role of this variant in disease. Therefore, it has been classified as a Variant of Uncertain Significance.